The following is an entry in ClinVar:

ClinVar aggregate classification (germline): Pathogenic. Review status: reviewed by expert panel (3 of 4 stars). 2 submissions from 2 submitters: Pathogenic (1). 1 of the submissions does not count toward it. Last evaluated 2025-11-07.

Conditions:
Maturity-onset diabetes of the young type 3. Also called: MODY, type III; MODY type 3. Identifiers: Orphanet 552, MedGen C1838100, MeSH C563933, MONDO:0010894, OMIM 600496. Disease mechanism: loss of function.
Monogenic diabetes. Identifiers: Orphanet 183625, MedGen C3888631, MONDO:0015967.

gnomAD v4.1: 1 of 1,613,278 alleles (0.000062%); highest among the groups gnomAD compares: Non-Finnish European, 0.000085%; no homozygotes.

Submissions (2):

ClinGen Monogenic Diabetes Variant Curation Expert Panel
Classification: Pathogenic for Monogenic diabetes. Last evaluated: 2025-11-07. Review status: reviewed by expert panel. Criteria: ClinGen Diabetes ACMG Specifications HNF1A V3.1.0. Collection method: curation. Allele origin: germline. Inheritance: Autosomal dominant inheritance.
Comment: The c.58G>C variant in the HNF1 homeobox A gene, HNF1A, causes an amino acid change of glycine to arginine at codon 20 (p.(Gly20Arg)) of NM_000545.8. This variant is located within the dimerization domain (codons 1-32) of HNF1A, which is defined as critical for the protein’s function by the ClinGen MDEP (PM1_Supporting). This variant is predicted to be deleterious by computational evidence, with a REVEL score of 0.956, which is greater than the MDEP threshold of 0.70 (PP3). This variant has a gnomAD v4.1.0 Grpmax filtering allele frequency of 6.199e-7, which is below the ClinGen MDEP threshold of 0.000003 (PM2_Supporting). This variant was identified in two unrelated individuals with non-autoimmune and non-absolute/near-absolute insulin-deficient diabetes; however, PS4_Moderate cannot be applied because this number is below the ClinGen MDEP threshold (internal lab contributors). The nucleotide change c.58G>A, which causes the same amino acid change, has been classified as pathogenic for monogenic diabetes by the ClinGen MDEP (PS1). Another missense variant, c.59G>A (p.Gly20Glu), has been classified as likely pathogenic by the ClinGen MDEP (PM5_Supporting). Taken together, the evidence supports the classification of this variant as pathogenic for monogenic diabetes. ACMG/AMP criteria applied, as specified by the ClinGen MDEP VCEP (specification version 3.1.0 approved 10/10/2025): PS1, PP4_Moderate, PP3, PM1_Supporting, PM2_Supporting, PM5_Supporting.

MVZ Medizinische Genetik Mainz
Classification: Likely pathogenic for Maturity-onset diabetes of the young type 3. Last evaluated: 2026-02-27. Review status: criteria provided, single submitter. Criteria: UK Practice Guidelines For Variant Classification V4 01 2020. Collection method: clinical testing. Allele origin: germline. Inheritance: Autosomal dominant inheritance. Affected: yes. Observed: 1 variant allele. Not counted in ClinVar's aggregate classification.
Comment: ACMG Criteria: PS1,PM1_SUP,PM2_SUP,PM5_SUP,PP3

NM_000545.8(HNF1A):c.58G>C (p.Gly20Arg)

Gene: HNF1A (HNF1 homeobox A; plus strand). Cytogenetic location: 12q24.31.
Variant type: single nucleotide variant.
Coding change: c.58G>C on transcript NM_000545.8 (MANE Select); coding-DNA position 58, G replaced by C.
Protein change: p.Gly20Arg; replaces glycine 20 with arginine.
Molecular consequence: missense variant.
Genome position (GRCh38, 1-based): chr12:120,978,826, G>C. VCF-style: chr12-120978826-G-C. GRCh37 (hg19) VCF-style: chr12-121416629-G-C.
Other names: NM_001306179.2:c.58G>C; c.58G>C, p.Gly20Arg (NM_001306179.2); short protein forms G20R.
Identifiers: ClinVar variation 1327599 (VCV001327599.5), dbSNP rs1249563793, ClinGen allele CA386952573.